The following is an entry in ClinVar:

NM_001171.6(ABCC6):c.2501T>C (p.Met834Thr)

Gene: ABCC6 (ATP binding cassette subfamily C member 6; minus strand). Cytogenetic location: 16p13.11.
Variant type: single nucleotide variant.
Coding change: c.2501T>C on transcript NM_001171.6 (MANE Select); coding-DNA position 2501, T replaced by C.
Protein change: p.Met834Thr; replaces methionine 834 with threonine.
Molecular consequence: missense variant.
Genome position (GRCh38, 1-based): chr16:16,177,541, A>G on the plus strand (T>C on the coding strand, the complement: ABCC6 is on the minus strand). VCF-style: chr16-16177541-A-G. GRCh37 (hg19) VCF-style: chr16-16271398-A-G.
Other names: c.2159T>C, p.Met720Thr (NM_001351800.1); short protein forms M834T, M720T.
Identifiers: ClinVar variation 433502 (VCV000433502.7), dbSNP rs1355752953, ClinGen allele CA394887692.

ClinVar aggregate classification (germline): Uncertain significance. Review status: criteria provided, multiple submitters, no conflicts (2 of 4 stars). 3 submissions from 3 submitters: Uncertain significance (2). 1 of the submissions does not count toward it. Last evaluated 2025-08-10.

Conditions:
Arterial calcification, generalized, of infancy, 2. Identifiers: Orphanet 51608, MedGen C3276161, MONDO:0013768, OMIM 614473.
Autosomal recessive inherited pseudoxanthoma elasticum (PXE). Identifiers: Orphanet 758, MedGen CN032334, MONDO:0009925, OMIM 264800.
Pseudoxanthoma elasticum, forme fruste. Also called: Pseudoxanthoma Elasticum, Incomplete; PSEUDOXANTHOMA ELASTICUM, HETEROZYGOUS. Identifiers: Orphanet 758, MedGen C1867450, MONDO:0008333, OMIM 177850.

Allele frequency attached by ClinVar (database versions not stated): gnomAD exomes below 0.00001; gnomAD 0.00001; TOPMed 0.00002.
gnomAD v4.1: 7 of 1,614,106 alleles (0.00043%); highest among the groups gnomAD compares: African/African-American, 0.0013%; no homozygotes.

Submissions (3):

Labcorp Genetics (formerly Invitae), Labcorp
Classification: Uncertain significance. Last evaluated: 2025-08-10. Review status: criteria provided, single submitter. Criteria: Invitae Variant Classification Sherloc (09022015). Collection method: clinical testing. Allele origin: germline.
Comment: This sequence change replaces methionine, which is neutral and non-polar, with threonine, which is neutral and polar, at codon 834 of the ABCC6 protein (p.Met834Thr). This variant is present in population databases (no rsID available, gnomAD 0.003%). This missense change has been observed in individual(s) with pseudoxanthoma elasticum (PMID: 25615550). ClinVar contains an entry for this variant (Variation ID: 433502). Invitae Evidence Modeling of protein sequence and biophysical properties (such as structural, functional, and spatial information, amino acid conservation, physicochemical variation, residue mobility, and thermodynamic stability) indicates that this missense variant is not expected to disrupt ABCC6 protein function with a negative predictive value of 95%. Experimental studies have shown that this missense change affects ABCC6 function (PMID: 25615550). In summary, the available evidence is currently insufficient to determine the role of this variant in disease. Therefore, it has been classified as a Variant of Uncertain Significance.

Fulgent Genetics
Classification: Uncertain significance for Pseudoxanthoma elasticum, forme fruste; Autosomal recessive inherited pseudoxanthoma elasticum; Arterial calcification, generalized, of infancy, 2. Last evaluated: 2024-02-06. Review status: criteria provided, single submitter. Criteria: ACMG Guidelines, 2015. Collection method: clinical testing. Allele origin: germline.

PXE International
Classification: Uncertain significance for Autosomal recessive inherited pseudoxanthoma elasticum. Last evaluated: 2021-02-02. Review status: no assertion criteria provided. Collection method: research. Allele origin: germline. Inheritance: Autosomal recessive inheritance. Affected: yes. Not counted in ClinVar's aggregate classification.

Literature cited by the submitters: PubMed 25615550 (cited by Labcorp Genetics (formerly Invitae), Labcorp); PubMed 26084751 (cited by PXE International); PubMed 32873932 (cited by PXE International).